The following is an entry in ClinVar:

NM_138694.4(PKHD1):c.9371A>C (p.His3124Pro)

Gene: PKHD1 (PKHD1 ciliary IPT domain containing fibrocystin/polyductin; minus strand). Cytogenetic location: 6p12.3.
Variant type: single nucleotide variant.
Coding change: c.9371A>C on transcript NM_138694.4 (MANE Select); coding-DNA position 9371, A replaced by C.
Protein change: p.His3124Pro; replaces histidine 3124 with proline.
Molecular consequence: missense variant.
Genome position (GRCh38, 1-based): chr6:51,748,245, T>G on the plus strand (A>C on the coding strand, the complement: PKHD1 is on the minus strand). VCF-style: chr6-51748245-T-G. GRCh37 (hg19) VCF-style: chr6-51613043-T-G.
Other names: c.9371A>C, p.His3124Pro (NM_170724.3); short protein forms H3124P.
Identifiers: ClinVar variation 551663 (VCV000551663.9), dbSNP rs373241537, ClinGen allele CA364421229.

ClinVar aggregate classification (germline): Pathogenic/Likely pathogenic. Review status: criteria provided, multiple submitters, no conflicts (2 of 4 stars). 3 submissions from 3 submitters: Pathogenic (1); Likely pathogenic (1). 1 of the submissions does not count toward it. Last evaluated 2025-05-08.

Conditions:
Polycystic kidney disease 4 (PKD4). Also called: POLYCYSTIC KIDNEY DISEASE 4 WITH OR WITHOUT POLYCYSTIC LIVER DISEASE; POLYCYSTIC KIDNEY AND HEPATIC DISEASE 1; POLYCYSTIC KIDNEY DISEASE, INFANTILE, TYPE I; PKD3; Autosomal Recessive Polycystic Kidney Disease – PKHD1. Identifiers: MedGen C4540575, MONDO:0033004, OMIM 263200.
Autosomal recessive polycystic kidney disease (ARPKD). Also called: AR polycystic kidney disease. Identifiers: Orphanet 731, Orphanet 8378, MedGen C0085548, MeSH D017044, MONDO:0009889.

Submissions (3):

Natera, Inc.
Classification: Likely pathogenic for Autosomal recessive polycystic kidney disease. Last evaluated: 2025-05-08. Review status: criteria provided, single submitter. Criteria: Natera Variant Classification Schema (03/2026). Collection method: clinical testing. Allele origin: germline.
Comment: The c.9371A>C variant in PKHD1 is a missense variant predicted to cause substitution of histidine to proline at amino acid 3124. This variant is rare in the general population with a frequency below the threshold expected for the associated phenotype(s). This variant has been observed in one or more individuals affected with the associated recessive disease, as either homozygous or compound heterozygous with a second variant (PMID: 15698423). A different variant at the same position has been determined to be Pathogenic or Likely Pathogenic. Computational prediction algorithms indicate this variant is likely to affect gene or protein function. Given the available evidence, this variant is classified as Likely Pathogenic.

Labcorp Genetics (formerly Invitae), Labcorp
Classification: Pathogenic for Autosomal recessive polycystic kidney disease. Last evaluated: 2022-10-07. Review status: criteria provided, single submitter. Criteria: Invitae Variant Classification Sherloc (09022015). Collection method: clinical testing. Allele origin: germline.
Comment: This sequence change replaces histidine, which is basic and polar, with proline, which is neutral and non-polar, at codon 3124 of the PKHD1 protein (p.His3124Pro). This variant is not present in population databases (gnomAD no frequency). This missense change has been observed in individual(s) with autosomal recessive polycystic kidney disease (PMID: 15698423). In at least one individual the data is consistent with being in trans (on the opposite chromosome) from a pathogenic variant. ClinVar contains an entry for this variant (Variation ID: 551663). Advanced modeling of protein sequence and biophysical properties (such as structural, functional, and spatial information, amino acid conservation, physicochemical variation, residue mobility, and thermodynamic stability) performed at Invitae indicates that this missense variant is expected to disrupt PKHD1 protein function. This variant disrupts the p.His3124 amino acid residue in PKHD1. Other variant(s) that disrupt this residue have been determined to be pathogenic (PMID: 3239877, 12874454, 15108281, 31844813). This suggests that this residue is clinically significant, and that variants that disrupt this residue are likely to be disease-causing. For these reasons, this variant has been classified as Pathogenic.

Counsyl
Classification: Uncertain significance for Polycystic kidney disease 4. Last evaluated: 2017-05-04. Review status: no assertion criteria provided. Collection method: clinical testing. Allele origin: unknown. Not counted in ClinVar's aggregate classification.

Literature cited by the submitters: PubMed 15698423 (cited by 3 submitters); PubMed 3239877 (cited by Labcorp Genetics (formerly Invitae), Labcorp); PubMed 12874454 (cited by Labcorp Genetics (formerly Invitae), Labcorp); PubMed 15108281 (cited by Labcorp Genetics (formerly Invitae), Labcorp); PubMed 31844813 (cited by Labcorp Genetics (formerly Invitae), Labcorp).